The following is an entry in ClinVar:

ClinVar aggregate classification (germline): Uncertain significance (0 of 4 stars; one submission).

Conditions:
ARFGEF3-related disorder. Also called: ARFGEF3-related condition.

Submission:

PreventionGenetics, part of Exact Sciences
Classification: Uncertain significance for ARFGEF3-related condition. Last evaluated: 2024-06-17. Review status: no assertion criteria provided. Collection method: clinical testing. Allele origin: germline.
Comment: The ARFGEF3 c.1059C>A variant is predicted to result in premature protein termination (p.Tyr353*). To our knowledge, this variant has not been reported in the literature or in a large population database, indicating this variant is rare. Loss of function variants in ARFGEF3 are not currently an established mechanism of disease. At this time, the clinical significance of this variant is uncertain due to the absence of conclusive functional and genetic evidence.

NM_020340.5(ARFGEF3):c.1059C>A (p.Tyr353Ter)

Gene: ARFGEF3 (ARFGEF family member 3; plus strand). Cytogenetic location: 6q23.3.
Variant type: single nucleotide variant.
Coding change: c.1059C>A on transcript NM_020340.5 (MANE Select); coding-DNA position 1059, C replaced by A.
Protein change: p.Tyr353Ter; replaces tyrosine 353 with a stop codon.
Molecular consequence: nonsense.
Genome position (GRCh38, 1-based): chr6:138,255,724, C>A. VCF-style: chr6-138255724-C-A. GRCh37 (hg19) VCF-style: chr6-138576861-C-A.
Other names: short protein forms Y353*.
Identifiers: ClinVar variation 3346386 (VCV003346386.1).
Genomic context (GRCh38, chr6:138,255,724, plus strand): 5'-GGGGTCTGTGGACTCCATGAAGCCCGTGCTCCAGTCCCTCTACCACCGAGTGCTGCTCTA[C>A]CCCCCACCCCAGCACCGGGTGGAAGCCATCAAAATAATGAAAGAGGTGAGGAGGCACTGG-3'